The following is an entry in ClinVar:

ClinVar aggregate classification (germline): Uncertain significance. Review status: criteria provided, single submitter (1 of 4 stars). 2 submissions from 2 submitters: Uncertain significance (1). 1 of the submissions does not count toward it. Last evaluated 2022-05-03.

Conditions:
Prostate cancer, hereditary, 1 (HPC1). Identifiers: Orphanet 1331, MedGen C4722327, MONDO:0011098, OMIM 601518.

Submissions (2):

Labcorp Genetics (formerly Invitae), Labcorp
Classification: Uncertain significance. Last evaluated: 2022-05-03. Review status: criteria provided, single submitter. Criteria: Invitae Variant Classification Sherloc (09022015). Collection method: clinical testing. Allele origin: germline.
Comment: In summary, the available evidence is currently insufficient to determine the role of this variant in disease. Therefore, it has been classified as a Variant of Uncertain Significance. Experimental studies and prediction algorithms are not available or were not evaluated, and the functional significance of this variant is currently unknown. ClinVar contains an entry for this variant (Variation ID: 691201). This variant has not been reported in the literature in individuals affected with HOXB13-related conditions. This variant is not present in population databases (gnomAD no frequency). This sequence change creates a premature translational stop signal (p.Ile262Serfs*17) in the HOXB13 gene. While this is not anticipated to result in nonsense mediated decay, it is expected to disrupt the last 23 amino acid(s) of the HOXB13 protein.

Laboratory of Virology, Microbiology,  Quality and Medical Biotechnologies, Faculty of Sciences and Techniques - Mohammedia, Hassan II University of Casablanca
Classification: Uncertain significance for Prostate cancer, hereditary, 1. Review status: no assertion criteria provided. Collection method: clinical testing. Allele origin: somatic. Affected: yes. Not counted in ClinVar's aggregate classification.

NM_006361.6(HOXB13):c.784del (p.Ile262fs)

Gene: HOXB13 (homeobox B13; minus strand). Cytogenetic location: 17q21.32.
Variant type: Deletion.
Coding change: c.784del on transcript NM_006361.6 (MANE Select); coding-DNA position 784, one base deleted (A; older notation c.784delA).
Protein change: p.Ile262fs; shifts the reading frame from isoleucine 262.
Molecular consequence: frameshift variant.
Genome position (GRCh38, 1-based): chr17:48,726,861, T deleted on the plus strand (A on the coding strand, the reverse complement: HOXB13 is on the minus strand). VCF-style (leftmost placement, unchanged base first): chr17-48726860-AT-A. GRCh37 (hg19) VCF-style: chr17-46804222-AT-A.
Other names: c.784delA (NM_006361.5); short protein forms I262fs.
Identifiers: ClinVar variation 691201 (VCV000691201.6), dbSNP rs1597932545, ClinGen allele CA915950254.